The following is an entry in ClinVar:

ClinVar aggregate classification (germline): Likely pathogenic. Review status: reviewed by expert panel (3 of 4 stars). 2 submissions from 2 submitters: Likely pathogenic (1). 1 of the submissions does not count toward it. Last evaluated 2023-06-29.

Conditions:
Very long chain acyl-CoA dehydrogenase deficiency (ACADVLD). Also called: Very Long-Chain Acyl-Coenzyme A Dehydrogenase Deficiency; VLCAD Deficiency. Identifiers: Orphanet 26793, MedGen C3887523, MONDO:0008723, OMIM 201475.

Submissions (2):

ClinGen ACADVL Variant Curation Expert Panel, ClinGen
Classification: Likely pathogenic for Very long chain acyl-CoA dehydrogenase deficiency. Last evaluated: 2023-06-29. Review status: reviewed by expert panel. Criteria: clingen acadvl acmg specifications v1. Collection method: curation. Allele origin: germline. Inheritance: Autosomal recessive inheritance.
Comment: The c.1534_1535del (p.Arg512GlyfsTer49) variant in ACADVL is a frameshift variant predicted to cause a premature stop codon in biologically-relevant-exon 17/20 leading to nonsense mediated decay in a gene in which loss-of-function is an established disease mechanism (PVS1; PMIDs: 9973285, 11590124). This variant is absent from gnomAD 2.1.1 (PM2_Supporting). To our knowledge, functional assays have not been reported for this variant. To our knowledge, this variant has not been reported in the literature in any individuals with VLCADD. . In summary, this variant meets the criteria to be classified as LIKELY PATHOGENIC for autosomal recessive very long chain acyl-CoA dehydrogenase (VLCAD) deficiency based on the ACMG/AMP criteria applied, as specified by the ClinGen ACADVL Variant Curation Expert Panel: PVS1, PM2_Supporting (ClinGen ACADVL VCEP specifications version#1.0; approved 12-29-22).

Wong Mito Lab, Molecular and Human Genetics, Baylor College of Medicine
Classification: Pathogenic for Very long chain acyl-CoA dehydrogenase deficiency. Last evaluated: 2019-11-01. Review status: criteria provided, single submitter. Criteria: ACMG Guidelines, 2015. Collection method: clinical testing. Allele origin: germline. Not counted in ClinVar's aggregate classification.
Comment: The NM_000018.3:c.1534_1535delCG (NP_000009.1:p.Arg512GlyfsTer49) [GRCH38: NC_000017.11:g.7224322_7224323del] variant in ACADVL gene is interpretated to be Pathogenic based on ACMG guidelines (PMID: 25741868). This variant has been reported. This variant meets the following evidence codes reported in the ACMG guidelines: PVS1, PS3

NM_000018.4(ACADVL):c.1534_1535del (p.Arg512fs)

Gene: ACADVL (acyl-CoA dehydrogenase very long chain; plus strand). Cytogenetic location: 17p13.1.
Variant type: Deletion.
Coding change: c.1534_1535del on transcript NM_000018.4 (MANE Select); coding-DNA positions 1534 to 1535, 2 bases deleted (CG; older notation c.1534_1535delCG).
Protein change: p.Arg512fs; shifts the reading frame from arginine 512.
Molecular consequence: frameshift variant.
Genome position (GRCh38, 1-based): chr17:7,224,322-7,224,323, CG deleted; deleting any 2 consecutive bases within chr17:7,224,321-7,224,323 gives the same sequence; the c. name uses the placement nearest the transcript's 3' end. VCF-style (leftmost placement, unchanged base first): chr17-7224320-GGC-G. GRCh37 (hg19) VCF-style: chr17-7127639-GGC-G.
Other names: NM_000018.4(ACADVL):c.1534_1535del; p.Arg512fs; c.1468_1469del, p.Arg490fs (NM_001033859.3); c.1603_1604del, p.Arg535fs (NM_001270447.2); c.1306_1307del, p.Arg436fs (NM_001270448.2); short protein forms R512fs, R436fs, R490fs, R535fs.
Identifiers: ClinVar variation 932831 (VCV000932831.3), dbSNP rs2071371983, ClinGen allele CA1139665155.